The following is an entry in ClinVar:

ClinVar aggregate classification (germline): Likely benign. Review status: criteria provided, multiple submitters, no conflicts (2 of 4 stars). 6 submissions from 6 submitters: Likely benign (6). Last evaluated 2026-04-01.

Conditions:
Hereditary cancer-predisposing syndrome. Also called: Tumor predisposition; Hereditary Cancer Syndrome; Neoplastic Syndromes, Hereditary; Hereditary neoplastic syndrome. Identifiers: Orphanet 140162, MedGen C0027672, MeSH D009386, MONDO:0015356.
Inherited breast cancer and ovarian cancer.
Breast and/or ovarian cancer. Identifiers: MedGen CN221562.
Hereditary breast ovarian cancer syndrome. Also called: Hereditary breast and ovarian cancer; Hereditary breast and ovarian cancer syndrome (HBOC); Hereditary breast and/or ovarian cancer syndrome; Hereditary breast and ovarian cancer syndrome; BRCA1- and BRCA2-Associated Hereditary Breast and Ovarian Cancer; Breast and ovarian cancer. Identifiers: Orphanet 145, MedGen C0677776, MeSH D061325, MONDO:0003582. Disease mechanism: loss of function.

gnomAD v4.1: 10 of 1,612,938 alleles (0.00062%); highest among the groups gnomAD compares: Non-Finnish European, 0.00085%; no homozygotes.

Submissions (6):

Genomics and Molecular Medicine Service, East Genomic Laboratory Hub, NHS Genomic Medicine Service
Classification: Likely benign for Inherited breast cancer and ovarian cancer. Last evaluated: 2026-04-01. Review status: criteria provided, single submitter. Criteria: ACGS Best Practice Guidelines for Variant Classification in Rare Disease 2020. Collection method: clinical testing. Allele origin: germline. Affected: yes.
Comment: BP4,BP7

Labcorp Genetics (formerly Invitae), Labcorp
Classification: Likely benign for Hereditary breast ovarian cancer syndrome. Last evaluated: 2025-05-05. Review status: criteria provided, single submitter. Criteria: Invitae Variant Classification Sherloc (09022015). Collection method: clinical testing. Allele origin: germline.

Women's Health and Genetics/Laboratory Corporation of America, LabCorp
Classification: Likely benign. Last evaluated: 2023-06-29. Review status: criteria provided, single submitter. Criteria: LabCorp Variant Classification Summary - May 2015. Collection method: clinical testing. Allele origin: germline.

CHEO Genetics Diagnostic Laboratory, Children's Hospital of Eastern Ontario
Classification: Likely benign for Breast and/or ovarian cancer. Last evaluated: 2023-04-05. Review status: criteria provided, single submitter. Criteria: ACMG Guidelines, 2015. Collection method: clinical testing. Allele origin: germline.

Ambry Genetics
Classification: Likely benign for Hereditary cancer-predisposing syndrome. Last evaluated: 2021-11-08. Review status: criteria provided, single submitter. Criteria: Ambry Variant Classification Scheme 2023. Collection method: clinical testing. Allele origin: germline.

GeneDx
Classification: Likely benign. Last evaluated: 2017-12-05. Review status: criteria provided, single submitter. Criteria: GeneDx Variant Classification (06012015). Collection method: clinical testing. Allele origin: germline. Affected: yes.
Comment: This variant is considered likely benign or benign based on one or more of the following criteria: it is a conservative change, it occurs at a poorly conserved position in the protein, it is predicted to be benign by multiple in silico algorithms, and/or has population frequency not consistent with disease.

NM_000059.4(BRCA2):c.6195A>G (p.Gln2065=)

Gene: BRCA2 (BRCA2 DNA repair associated; plus strand). Cytogenetic location: 13q13.1.
Variant type: single nucleotide variant.
Coding change: c.6195A>G on transcript NM_000059.4 (MANE Select); coding-DNA position 6195, A replaced by G.
Protein change: p.Gln2065=; no amino-acid change (glutamine 2065 retained).
Molecular consequence: synonymous variant.
Genome position (GRCh38, 1-based): chr13:32,340,550, A>G. VCF-style: chr13-32340550-A-G. GRCh37 (hg19) VCF-style: chr13-32914687-A-G.
Identifiers: ClinVar variation 382949 (VCV000382949.16), dbSNP rs876658875, ClinGen allele CA16606794.